The following is an entry in ClinVar:

NM_001170535.3(ATAD3A):c.964-5G>A

Gene: ATAD3A (ATPase family AAA domain containing 3A; plus strand). Cytogenetic location: 1p36.33.
Variant type: single nucleotide variant.
Coding change: c.964-5G>A on transcript NM_001170535.3 (MANE Select); 5 bases into the intron before coding-DNA position 964, G replaced by A.
Molecular consequence: intron variant.
Genome position (GRCh38, 1-based): chr1:1,523,834, G>A. VCF-style: chr1-1523834-G-A. GRCh37 (hg19) VCF-style: chr1-1459214-G-A.
Other names: c.1108-5G>A (NM_018188.5); c.727-5G>A (NM_001170536.3).
Identifiers: ClinVar variation 1307193 (VCV001307193.2), dbSNP rs543920110, ClinGen allele CA526130.

ClinVar aggregate classification (germline): Uncertain significance (1 of 4 stars; one submission).

Allele frequency attached by ClinVar (database versions not stated): gnomAD exomes 0.00001 and 0.00004; ExAC 0.00006; gnomAD 0.00011; 1000 Genomes Project 30x 0.00016; 1000 Genomes Project 0.00020.
gnomAD v4.1: 39 of 1,613,804 alleles (0.0024%); highest among the groups gnomAD compares: African/African-American, 0.037%; no homozygotes.

Submission:

GeneDx
Classification: Uncertain significance. Last evaluated: 2023-02-10. Review status: criteria provided, single submitter. Criteria: GeneDx Variant Classification Process June 2021. Collection method: clinical testing. Allele origin: germline. Affected: yes.
Comment: In silico analysis supports a deleterious effect on splicing; Has not been previously published as pathogenic or benign to our knowledge